The following is an entry in ClinVar:

NM_003824.4(FADD):c.8C>G (p.Pro3Arg)

Gene: FADD (Fas associated via death domain; plus strand). Cytogenetic location: 11q13.3.
Variant type: single nucleotide variant.
Coding change: c.8C>G on transcript NM_003824.4 (MANE Select); coding-DNA position 8, C replaced by G.
Protein change: p.Pro3Arg; replaces proline 3 with arginine.
Molecular consequence: missense variant.
Genome position (GRCh38, 1-based): chr11:70,203,467, C>G. VCF-style: chr11-70203467-C-G. GRCh37 (hg19) VCF-style: chr11-70049573-C-G.
Other names: short protein forms P3R.
Identifiers: ClinVar variation 1047817 (VCV001047817.6), dbSNP rs763339860, ClinGen allele CA6158381.
Genomic context (GRCh38, chr11:70,203,467, plus strand): 5'-CAGAGGGCGCACGGAGGGCCGGGCCGCAGCCCCGGCCGCTTGCAGACCCCGCCATGGACC[C>G]GTTCCTGGTGCTGCTGCACTCGGTGTCGTCCAGCCTGTCGAGCAGCGAGCTGACCGAGCT-3'
Protein context (NP_003815.1, residues 1-13): MD[Pro3Arg]FLVLLHSVSS

ClinVar aggregate classification (germline): Uncertain significance (1 of 4 stars; one submission).

Conditions:
FADD-related immunodeficiency. Also called: FADD DEFICIENCY; Infections, recurrent, with encephalopathy, hepatic dysfunction, and cardiovascular malformations. Identifiers: Orphanet 306550, MedGen C3151062, MONDO:0013408, OMIM 613759.

Allele frequency attached by ClinVar (database versions not stated): TOPMed below 0.00001; gnomAD 0.00001; gnomAD exomes 0.00001 and 0.00003; ExAC 0.00008.
gnomAD v4.1: 22 of 1,580,806 alleles (0.0014%); highest among the groups gnomAD compares: South Asian, 0.022%; no homozygotes.

Submission:

Labcorp Genetics (formerly Invitae), Labcorp
Classification: Uncertain significance for FADD-related immunodeficiency. Last evaluated: 2021-09-01. Review status: criteria provided, single submitter. Criteria: Invitae Variant Classification Sherloc (09022015). Collection method: clinical testing. Allele origin: germline.
Comment: This sequence change replaces proline with arginine at codon 3 of the FADD protein (p.Pro3Arg). The proline residue is moderately conserved and there is a moderate physicochemical difference between proline and arginine. This variant is present in population databases (rs763339860, ExAC 0.02%). This variant has not been reported in the literature in individuals affected with FADD-related conditions. Algorithms developed to predict the effect of missense changes on protein structure and function are either unavailable or do not agree on the potential impact of this missense change (SIFT: "Tolerated"; PolyPhen-2: "Possibly Damaging"; Align-GVGD: "Class C0"). In summary, the available evidence is currently insufficient to determine the role of this variant in disease. Therefore, it has been classified as a Variant of Uncertain Significance.